The following is an entry in ClinVar:

ClinVar aggregate classification (germline): Uncertain significance (1 of 4 stars; one submission).

Conditions:
Familial adenomatous polyposis 2. Also called: COLORECTAL ADENOMATOUS POLYPOSIS, AUTOSOMAL RECESSIVE; ADENOMAS, MULTIPLE COLORECTAL, AUTOSOMAL RECESSIVE; Adenomas, multiple colorectal; FAP type 2; MUTYH Polyposis; MUTYH-associated polyposis. Identifiers: Orphanet 220460, Orphanet 247798, MedGen C3272841, MONDO:0012041, OMIM 608456.

Submission:

Labcorp Genetics (formerly Invitae), Labcorp
Classification: Uncertain significance for Familial adenomatous polyposis 2. Last evaluated: 2024-09-08. Review status: criteria provided, single submitter. Criteria: Invitae Variant Classification Sherloc (09022015). Collection method: clinical testing. Allele origin: germline.
Comment: This sequence change falls in intron 3 of the MUTYH gene. It does not directly change the encoded amino acid sequence of the MUTYH protein. This variant is not present in population databases (gnomAD no frequency). This variant has not been reported in the literature in individuals affected with MUTYH-related conditions. ClinVar contains an entry for this variant (Variation ID: 1014300). Algorithms developed to predict the effect of sequence changes on RNA splicing suggest that this variant may disrupt the consensus splice site. In summary, the available evidence is currently insufficient to determine the role of this variant in disease. Therefore, it has been classified as a Variant of Uncertain Significance.

NM_001048174.2(MUTYH):c.265-6T>A

Gene: MUTYH (mutY DNA glycosylase; minus strand). Cytogenetic location: 1p34.1.
Variant type: single nucleotide variant.
Coding change: c.265-6T>A on transcript NM_001048174.2 (MANE Select); 6 bases into the intron before coding-DNA position 265, T replaced by A.
Molecular consequence: intron variant.
Genome position (GRCh38, 1-based): chr1:45,333,330, A>T on the plus strand (T>A on the coding strand, the complement: MUTYH is on the minus strand). VCF-style: chr1-45333330-A-T. GRCh37 (hg19) VCF-style: chr1-45799002-A-T.
Other names: c.-7-6T>A (NM_001350651.2, NM_001350650.2); c.-12-6T>A (NM_001293192.2, NM_001293196.2); c.265-6T>A (NM_001048171.2, NM_001048173.2, NM_001293195.2); c.310-6T>A (NM_001293190.2); c.340-6T>A (NM_012222.3); c.349-6T>A (NM_001128425.2); c.268-6T>A (NM_001048172.2); c.298-6T>A (NM_001293191.2).
Identifiers: ClinVar variation 1014300 (VCV001014300.6), dbSNP rs1645322283, ClinGen allele CA2473713186.